The following is an entry in ClinVar:

ClinVar aggregate classification (germline): Uncertain significance (1 of 4 stars; one submission).

Conditions:
Inborn genetic diseases. Identifiers: MedGen C0950123, MeSH D030342.

Submission:

Ambry Genetics
Classification: Uncertain significance for Inborn genetic diseases. Last evaluated: 2025-01-19. Review status: criteria provided, single submitter. Criteria: Ambry Variant Classification Scheme 2023. Collection method: clinical testing. Allele origin: germline.
Comment: The p.M138I variant (also known as c.414G>T), located in coding exon 5 of the BUB1B gene, results from a G to T substitution at nucleotide position 414. The methionine at codon 138 is replaced by isoleucine, an amino acid with highly similar properties. This amino acid position is conserved. In addition, this alteration is predicted to be tolerated by in silico analysis. Based on the available evidence, the clinical significance of this variant remains unclear.

NM_001211.6(BUB1B):c.414G>T (p.Met138Ile)

Gene: BUB1B (BUB1 mitotic checkpoint serine/threonine kinase B; plus strand). Cytogenetic location: 15q15.1.
Variant type: single nucleotide variant.
Coding change: c.414G>T on transcript NM_001211.6 (MANE Select); coding-DNA position 414, G replaced by T.
Protein change: p.Met138Ile; replaces methionine 138 with isoleucine.
Molecular consequence: missense variant.
Genome position (GRCh38, 1-based): chr15:40,176,506, G>T. VCF-style: chr15-40176506-G-T. GRCh37 (hg19) VCF-style: chr15-40468707-G-T.
Other names: short protein forms M138I.
Identifiers: ClinVar variation 3826100 (VCV003826100.1).